The following is an entry in ClinVar:

ClinVar aggregate classification (germline): Conflicting classifications of pathogenicity. Review status: criteria provided, conflicting classifications (1 of 4 stars). 2 submissions from 2 submitters: Likely pathogenic (1); Uncertain significance (1). Last evaluated 2021-01-18.

Submissions (2):

Labcorp Genetics (formerly Invitae), Labcorp
Classification: Uncertain significance. Last evaluated: 2021-01-18. Review status: criteria provided, single submitter. Criteria: Invitae Variant Classification Sherloc (09022015). Collection method: clinical testing. Allele origin: germline.
Comment: This sequence change creates a premature translational stop signal (p.Leu183Profs*16) in the CACNA2D4 gene. It is expected to result in an absent or disrupted protein product. This variant is not present in population databases (ExAC no frequency). This variant has not been reported in the literature in individuals with CACNA2D4-related conditions. ClinVar contains an entry for this variant (Variation ID: 504297). The current clinical and genetic evidence is not sufficient to establish whether loss-of-function variants in CACNA2D4 cause disease. In summary, the available evidence is currently insufficient to determine the role of this variant in disease. Therefore, it has been classified as a Variant of Uncertain Significance.

GeneDx
Classification: Likely pathogenic. Last evaluated: 2018-02-02. Review status: criteria provided, single submitter. Criteria: GeneDx Variant Classification (06012015). Collection method: clinical testing. Allele origin: germline. Affected: yes.
Comment: The c.548_554delTGGGCGC variant in the CACNA2D4 gene has not been reported previously as a pathogenic variant nor as a benign variant, to our knowledge. The c.548_554delTGGGCGC variant causes a frameshift starting with codon Leucine 183, changes this amino acid to a Proline residue, and creates a premature Stop codon at position 16 of the new reading frame, denoted p.Leu183ProfsX16. This variant is predicted to cause loss of normal protein function either through protein truncation or nonsense-mediated mRNA decay. The c.548_554delTGGGCGC variant is not observed at a significant frequency in large population cohorts (Lek et al., 2016). We interpret c.548_554delTGGGCGC as a likely pathogenic variant.

NM_172364.5(CACNA2D4):c.548_554del (p.Leu183fs)

Gene: CACNA2D4 (calcium voltage-gated channel auxiliary subunit alpha2delta 4; minus strand). Cytogenetic location: 12p13.33.
Variant type: Deletion.
Coding change: c.548_554del on transcript NM_172364.5 (MANE Select); coding-DNA positions 548 to 554, 7 bases deleted (TGGGCGC; older notation c.548_554delTGGGCGC).
Protein change: p.Leu183fs; shifts the reading frame from leucine 183.
Molecular consequence: frameshift variant.
Genome position (GRCh38, 1-based): chr12:1,907,970-1,907,976, GCGCCCA deleted on the plus strand (TGGGCGC on the coding strand, the reverse complement: CACNA2D4 is on the minus strand); deleting any 7 consecutive bases within chr12:1,907,970-1,907,978 gives the same sequence; the c. name uses the placement nearest the transcript's 3' end. VCF-style (leftmost placement, unchanged base first): chr12-1907969-GGCGCCCA-G. GRCh37 (hg19) VCF-style: chr12-2017135-GGCGCCCA-G.
Other names: short protein forms L183fs.
Identifiers: ClinVar variation 504297 (VCV000504297.10), dbSNP rs1210621191, ClinGen allele CA602680718.